The following is an entry in ClinVar:

NM_013275.6(ANKRD11):c.2786G>C (p.Ser929Thr)

Gene: ANKRD11 (ankyrin repeat domain 11; minus strand). Cytogenetic location: 16q24.3.
Variant type: single nucleotide variant.
Coding change: c.2786G>C on transcript NM_013275.6 (MANE Select); coding-DNA position 2786, G replaced by C.
Protein change: p.Ser929Thr; replaces serine 929 with threonine.
Molecular consequence: missense variant.
Genome position (GRCh38, 1-based): chr16:89,283,756, C>G on the plus strand (G>C on the coding strand, the complement: ANKRD11 is on the minus strand). VCF-style: chr16-89283756-C-G. GRCh37 (hg19) VCF-style: chr16-89350164-C-G.
Other names: c.2786G>C, p.Ser929Thr (NM_001256182.2, NM_001256183.2); short protein forms S929T.
Identifiers: ClinVar variation 1708657 (VCV001708657.3), dbSNP rs763597037, ClinGen allele CA397161290.
Genomic context (GRCh38, chr16:89,283,756, plus strand): 5'-CGCCCGGCCTCTGCGGACTCTCTCCTCTTCTTGTCCTTTTCCGAAAGGTAGCCAGGGACA[C>G]TTTTATGCTTTTCGGTCTGCTCTTTCCTCTTCTCAGAGTTTTTATCCAAATAGTCCCTGT-3'
Protein context (NP_037407.4, residues 919-939): KRKEQTEKHK[Ser929Thr]VPGYLSEKDK

ClinVar aggregate classification (germline): Uncertain significance. Review status: criteria provided, multiple submitters, no conflicts (2 of 4 stars). 2 submissions from 2 submitters: Uncertain significance (2). Last evaluated 2025-09-03.

Submissions (2):

Women's Health and Genetics/Laboratory Corporation of America, LabCorp
Classification: Uncertain significance. Last evaluated: 2025-09-03. Review status: criteria provided, single submitter. Criteria: LabCorp Variant Classification Summary - May 2015. Collection method: clinical testing. Allele origin: germline.
Comment: Variant summary: ANKRD11 c.2786G>C (p.Ser929Thr) results in a conservative amino acid change in the encoded protein sequence. Algorithms developed to predict the effect of missense changes on protein structure and function all suggest that this variant is likely to be tolerated. The variant was absent in 251142 control chromosomes. The available data on variant occurrences in the general population are insufficient to allow any conclusion about variant significance. To our knowledge, no occurrence of c.2786G>C in individuals affected with ANKRD11-related conditions and no experimental evidence demonstrating its impact on protein function have been reported. ClinVar contains an entry for this variant (Variation ID: 1708657). Based on the evidence outlined above, the variant was classified as uncertain significance.

GeneDx
Classification: Uncertain significance. Last evaluated: 2022-11-16. Review status: criteria provided, single submitter. Criteria: GeneDx Variant Classification Process June 2021. Collection method: clinical testing. Allele origin: germline. Affected: yes.
Comment: Not observed at significant frequency in large population cohorts (gnomAD); In silico analysis supports that this missense variant does not alter protein structure/function; Has not been previously published as pathogenic or benign to our knowledge